The following is an entry in ClinVar:

ClinVar aggregate classification (germline): Uncertain significance (1 of 4 stars; one submission).

Conditions:
SCAPER-related disorder. Also called: SCAPER-related condition.

gnomAD v4.1: 2 of 1,612,360 alleles (0.00012%); highest among the groups gnomAD compares: African/African-American, 0.0013%; no homozygotes.

Submission:

PreventionGenetics, part of Exact Sciences
Classification: Uncertain significance for SCAPER-related condition. Last evaluated: 2025-02-06. Review status: criteria provided, single submitter. Criteria: ACMG Guidelines, 2015. Collection method: clinical testing. Allele origin: germline.
Comment: The SCAPER c.3056A>G variant is predicted to result in the amino acid substitution p.Lys1019Arg. To our knowledge, this variant has not been reported in the literature. This variant is reported in 0.0065% of alleles in individuals of African descent in gnomAD. At this time, the clinical significance of this variant is uncertain due to the absence of conclusive functional and genetic evidence.

NM_020843.4(SCAPER):c.3038A>G (p.Lys1013Arg)

Gene: SCAPER (S-phase cyclin A associated protein in the ER; minus strand). Cytogenetic location: 15q24.3.
Variant type: single nucleotide variant.
Coding change: c.3038A>G on transcript NM_020843.4 (MANE Select); coding-DNA position 3038, A replaced by G.
Protein change: p.Lys1013Arg; replaces lysine 1013 with arginine.
Molecular consequence: missense variant. On other transcripts: non-coding transcript variant (1).
Genome position (GRCh38, 1-based): chr15:76,471,252, T>C on the plus strand (A>G on the coding strand, the complement: SCAPER is on the minus strand). VCF-style: chr15-76471252-T-C. GRCh37 (hg19) VCF-style: chr15-76763593-T-C.
Other names: c.2300A>G, p.Lys767Arg (NM_001145923.2); c.3056A>G, p.Lys1019Arg (NM_001353009.2); c.2636A>G, p.Lys879Arg (NM_001353010.2, NM_001353012.2); c.2654A>G, p.Lys885Arg (NM_001353011.2); short protein forms K879R, K767R, K885R, K1013R, K1019R.
Identifiers: ClinVar variation 4983753 (VCV004983753.1).
Genomic context (GRCh38, chr15:76,471,252, plus strand): 5'-AAAGCAATAATATTACATACCGTCAACTGGTGTATCAGGAGGTCCATTAAGAAGGTAATC[T>C]TGTTACTAAACAGAACATCACTGCAGTTTTCTGAACAGTTATTGCAGGTGAGGTTGTAAA-3'
Protein context (NP_065894.2, residues 1003-1023): ENCSDVLFSN[Lys1013Arg]ITFLMDLLIH